The following is an entry in ClinVar:

NM_001528.4(HGFAC):c.251C>G (p.Pro84Arg)

Gene: HGFAC (HGF activator; plus strand). Cytogenetic location: 4p16.3.
Variant type: single nucleotide variant.
Coding change: c.251C>G on transcript NM_001528.4 (MANE Select); coding-DNA position 251, C replaced by G.
Protein change: p.Pro84Arg; replaces proline 84 with arginine.
Molecular consequence: missense variant.
Genome position (GRCh38, 1-based): chr4:3,442,865, C>G. VCF-style: chr4-3442865-C-G. GRCh37 (hg19) VCF-style: chr4-3444592-C-G.
Other names: c.251C>G, p.Pro84Arg (NM_001297439.2); short protein forms P84R.
Identifiers: ClinVar variation 2654602 (VCV002654602.24), dbSNP rs149401735, ClinGen allele CA2827935.

ClinVar aggregate classification (germline): Likely benign (1 of 4 stars; one submission).

Allele frequency attached by ClinVar (database versions not stated): 1000 Genomes Project 30x 0.00141; 1000 Genomes Project 0.00180; ESP Exome Variant Server 0.00454.
gnomAD v4.1: 8,170 of 1,572,816 alleles (0.52%); highest among the groups gnomAD compares: Non-Finnish European, 0.6%; 32 homozygotes.

Submission:

CeGaT Center for Human Genetics Tuebingen
Classification: Likely benign. Last evaluated: 2023-04-01. Review status: criteria provided, single submitter. Criteria: CeGaT Center For Human Genetics Tuebingen Variant Classification Criteria Version 2. Collection method: clinical testing. Allele origin: germline. Affected: yes. Observed: 1 variant allele.
Comment: HGFAC: BP4, BS2